The following is an entry in ClinVar:

NM_002775.5(HTRA1):c.629C>T (p.Ser210Leu)

Gene: HTRA1 (HtrA serine peptidase 1; plus strand). Cytogenetic location: 10q26.13.
Variant type: single nucleotide variant.
Coding change: c.629C>T on transcript NM_002775.5 (MANE Select); coding-DNA position 629, C replaced by T.
Protein change: p.Ser210Leu; replaces serine 210 with leucine.
Molecular consequence: missense variant.
Genome position (GRCh38, 1-based): chr10:122,489,478, C>T. VCF-style: chr10-122489478-C-T. GRCh37 (hg19) VCF-style: chr10-124248994-C-T.
Other names: short protein forms S210L.
Identifiers: ClinVar variation 3898564 (VCV003898564.7).

ClinVar aggregate classification (germline): Uncertain significance (1 of 4 stars; one submission).

gnomAD v4.1: 8 of 1,614,094 alleles (0.0005%); highest among the groups gnomAD compares: South Asian, 0.0055%; no homozygotes.

Submission:

CeGaT Center for Human Genetics Tuebingen
Classification: Uncertain significance. Last evaluated: 2025-04-01. Review status: criteria provided, single submitter. Criteria: CeGaT Center For Human Genetics Tuebingen Variant Classification Criteria Version 2. Collection method: clinical testing. Allele origin: germline. Affected: yes. Observed: 1 variant allele.
Comment: HTRA1: PM2, PP3